The following is an entry in ClinVar:

ClinVar aggregate classification (germline): Uncertain significance (1 of 4 stars; one submission).

gnomAD v4.1: 4 of 1,551,748 alleles (0.00026%); highest among the groups gnomAD compares: Non-Finnish European, 0.00035%; no homozygotes.

Submission:

GeneDx
Classification: Uncertain significance. Last evaluated: 2024-05-06. Review status: criteria provided, single submitter. Criteria: GeneDx Variant Classification Process June 2021. Collection method: clinical testing. Allele origin: germline. Affected: yes.
Comment: Not observed at significant frequency in large population cohorts (gnomAD); In silico analysis supports that this missense variant has a deleterious effect on protein structure/function; Has not been previously published as pathogenic or benign to our knowledge; Variants in candidate genes are classified as variants of uncertain significance in accordance with ACMG guidelines (PMID: 25741868)

NM_144666.3(DNHD1):c.6164T>C (p.Phe2055Ser)

Gene: DNHD1 (dynein heavy chain domain 1; plus strand). Cytogenetic location: 11p15.4.
Variant type: single nucleotide variant.
Coding change: c.6164T>C on transcript NM_144666.3 (MANE Select); coding-DNA position 6164, T replaced by C.
Protein change: p.Phe2055Ser; replaces phenylalanine 2055 with serine.
Molecular consequence: missense variant.
Genome position (GRCh38, 1-based): chr11:6,547,103, T>C. VCF-style: chr11-6547103-T-C. GRCh37 (hg19) VCF-style: chr11-6568333-T-C.
Other names: short protein forms F2055S.
Identifiers: ClinVar variation 3375872 (VCV003375872.1).